The following is an entry in ClinVar:

NM_000426.4(LAMA2):c.4523+1G>A

Gene: LAMA2 (laminin subunit alpha 2; plus strand). Cytogenetic location: 6q22.33.
Variant type: single nucleotide variant.
Coding change: c.4523+1G>A on transcript NM_000426.4 (MANE Select); the canonical splice donor site of the intron after coding-DNA position 4523, G replaced by A.
Molecular consequence: splice donor variant.
Genome position (GRCh38, 1-based): chr6:129,349,385, G>A. VCF-style: chr6-129349385-G-A. GRCh37 (hg19) VCF-style: chr6-129670530-G-A.
Other names: c.4523+1G>A (NM_001079823.2).
Identifiers: ClinVar variation 92961 (VCV000092961.18), dbSNP rs398123375, ClinGen allele CA220770.

ClinVar aggregate classification (germline): Pathogenic. Review status: criteria provided, multiple submitters, no conflicts (2 of 4 stars). 3 submissions from 3 submitters: Pathogenic (3). Last evaluated 2023-12-13.

Conditions:
LAMA2-related muscular dystrophy (LAMA2-RD). Also called: Laminin alpha 2-related dystrophy. Identifiers: MedGen C5679788, MONDO:0100228.

Allele frequency attached by ClinVar (database versions not stated): gnomAD exomes below 0.00001; TOPMed below 0.00001; gnomAD 0.00001.
gnomAD v4.1: 2 of 1,610,622 alleles (0.00012%); highest among the groups gnomAD compares: Non-Finnish European, 0.00017%; no homozygotes.

Submissions (3):

Labcorp Genetics (formerly Invitae), Labcorp
Classification: Pathogenic for LAMA2-related muscular dystrophy. Last evaluated: 2023-12-13. Review status: criteria provided, single submitter. Criteria: Invitae Variant Classification Sherloc (09022015). Collection method: clinical testing. Allele origin: germline.
Comment: This sequence change affects a donor splice site in intron 31 of the LAMA2 gene. It is expected to disrupt RNA splicing. Variants that disrupt the donor or acceptor splice site typically lead to a loss of protein function (PMID: 16199547), and loss-of-function variants in LAMA2 are known to be pathogenic (PMID: 18700894, 32904964). This variant is not present in population databases (gnomAD no frequency). Disruption of this splice site has been observed in individuals with congenital muscular dystrophy (PMID: 25663498; Invitae). ClinVar contains an entry for this variant (Variation ID: 92961). Algorithms developed to predict the effect of sequence changes on RNA splicing suggest that this variant may disrupt the consensus splice site. For these reasons, this variant has been classified as Pathogenic.

Revvity Omics, Revvity
Classification: Pathogenic. Last evaluated: 2022-01-27. Review status: criteria provided, single submitter. Criteria: ACMG Guidelines, 2015. Collection method: clinical testing. Allele origin: germline.

Eurofins Ntd Llc (ga)
Classification: Pathogenic. Last evaluated: 2013-02-12. Review status: criteria provided, single submitter. Criteria: EGL Classification Definitions. Collection method: clinical testing. Allele origin: germline. Observed: 2 variant alleles, 2 heterozygotes.

Literature cited by the submitters: PubMed 16199547 (cited by Labcorp Genetics (formerly Invitae), Labcorp); PubMed 18700894 (cited by Labcorp Genetics (formerly Invitae), Labcorp); PubMed 32904964 (cited by Labcorp Genetics (formerly Invitae), Labcorp); PubMed 25663498 (cited by Labcorp Genetics (formerly Invitae), Labcorp).